The following is an entry in ClinVar:

NM_001205293.3(CACNA1E):c.5238C>T (p.Arg1746=)

Gene: CACNA1E (calcium voltage-gated channel subunit alpha1 E; plus strand). Cytogenetic location: 1q25.3.
Variant type: single nucleotide variant.
Coding change: c.5238C>T on transcript NM_001205293.3 (MANE Select); coding-DNA position 5238, C replaced by T.
Protein change: p.Arg1746=; no amino-acid change (arginine 1746 retained).
Molecular consequence: synonymous variant.
Genome position (GRCh38, 1-based): chr1:181,776,199, C>T. VCF-style: chr1-181776199-C-T. GRCh37 (hg19) VCF-style: chr1-181745335-C-T.
Other names: c.5238C>T, p.Arg1746= (NM_000721.4); c.5181C>T, p.Arg1727= (NM_001205294.2); c.5238C>T (NM_000721.3).
Identifiers: ClinVar variation 1543094 (VCV001543094.10), dbSNP rs759983450, ClinGen allele CA1276045.

ClinVar aggregate classification (germline): Benign/Likely benign. Review status: criteria provided, multiple submitters, no conflicts (2 of 4 stars). 2 submissions from 2 submitters: Benign (1); Likely benign (1). Last evaluated 2025-10-15.

Conditions:
CACNA1E-related disorder. Also called: CACNA1E-related condition.

Allele frequency attached by ClinVar (database versions not stated): gnomAD exomes 0.00004 and 0.00008; ExAC 0.00007; TOPMed 0.00012; gnomAD 0.00017 and 0.00018.
gnomAD v4.1: 85 of 1,613,876 alleles (0.0053%); highest among the groups gnomAD compares: East Asian, 0.027%; no homozygotes.

Submissions (2):

PreventionGenetics, part of Exact Sciences
Classification: Likely benign for CACNA1E-related condition. Last evaluated: 2025-10-15. Review status: criteria provided, single submitter. Criteria: ACMG Guidelines, 2015. Collection method: clinical testing. Allele origin: germline.
Comment: This variant is classified as likely benign based on ACMG/AMP sequence variant interpretation guidelines (Richards et al. 2015 PMID: 25741868, with internal and published modifications).

Labcorp Genetics (formerly Invitae), Labcorp
Classification: Benign. Last evaluated: 2025-06-22. Review status: criteria provided, single submitter. Criteria: Invitae Variant Classification Sherloc (09022015). Collection method: clinical testing. Allele origin: germline.